The following is an entry in ClinVar:

ClinVar aggregate classification (germline): Pathogenic (1 of 4 stars; one submission).

Conditions:
Ataxia-telangiectasia syndrome (AT). Also called: Ataxia-telangiectasia, complementation group E; ATAXIA-TELANGIECTASIA, COMPLEMENTATION GROUP A; ATAXIA-TELANGIECTASIA, FRESNO VARIANT; Ataxia-telangiectasia, complementation group D; AT, COMPLEMENTATION GROUP C; Ataxia-telangiectasia. Identifiers: Orphanet 100, MedGen C0004135, MONDO:0008840, OMIM 208900.

Submission:

Labcorp Genetics (formerly Invitae), Labcorp
Classification: Pathogenic for Ataxia-telangiectasia syndrome. Last evaluated: 2024-05-01. Review status: criteria provided, single submitter. Criteria: Invitae Variant Classification Sherloc (09022015). Collection method: clinical testing. Allele origin: germline.
Comment: This sequence change creates a premature translational stop signal (p.Asn975Lysfs*9) in the ATM gene. It is expected to result in an absent or disrupted protein product. Loss-of-function variants in ATM are known to be pathogenic (PMID: 23807571, 25614872). This variant is not present in population databases (gnomAD no frequency). This premature translational stop signal has been observed in individual(s) with breast cancer (PMID: 30630526). For these reasons, this variant has been classified as Pathogenic.

Literature cited by the submitters: PubMed 23807571; PubMed 25614872; PubMed 30630526.

NM_000051.4(ATM):c.2924dup (p.Asn975fs)

Gene: ATM (ATM serine/threonine kinase; plus strand). Cytogenetic location: 11q22.3.
Variant type: Duplication.
Coding change: c.2924dup on transcript NM_000051.4 (MANE Select); coding-DNA position 2924, one base duplicated (A; older notation c.2924dupA).
Protein change: p.Asn975fs; shifts the reading frame from asparagine 975.
Molecular consequence: frameshift variant.
Genome position (GRCh38, 1-based): chr11:108,271,253, A duplicated; the last of 2 consecutive A bases (chr11:108,271,252-108,271,253); duplicating either gives the same sequence. VCF-style (leftmost placement, unchanged base first): chr11-108271251-C-CA. GRCh37 (hg19) VCF-style: chr11-108141978-C-CA.
Other names: c.2924dup, p.Asn975fs (NM_001351834.2); short protein forms N975fs.
Identifiers: ClinVar variation 3706382 (VCV003706382.2).